The following is an entry in ClinVar:

GRCh38/hg38 7p22.1(chr7:4876621-6492003)x3

Genes: ACTB (actin beta; minus strand), AIMP2 (aminoacyl tRNA synthetase complex interacting multifunctional protein 2; plus strand), ANKRD61 (ankyrin repeat domain 61; plus strand), CCZ1 (CCZ1 vacuolar protein trafficking and biogenesis associated; plus strand), CYTH3 (cytohesin 3; minus strand) and 117 more. Cytogenetic location: 7p22.1.
Variant type: copy number gain.
Change: copy number 3 (three copies instead of two) of chr7:4,876,621-6,492,003 (1.62 Mb, GRCh38 coordinates, 1-based), cytogenetic band 7p22.1.
Identifiers: ClinVar variation 59565 (VCV000059565.1).

ClinVar aggregate classification (germline): Uncertain significance (1 of 4 stars; one submission).

Submission:

ISCA site 14
Classification: Uncertain significance. Last evaluated: 2011-08-12. Review status: criteria provided, single submitter. Criteria: Kaminsky et al. (Genet Med. 2011). Collection method: clinical testing. Allele origin: unknown. Affected: yes. Observed: 1 variant allele.
Comment: Copy number variation identified through the course of routine clinical cytogenomic testing in postnatal populations. Clinical assertions have been curated as described in Kaminsky et al. 2011.